The following is an entry in ClinVar:

ClinVar aggregate classification (germline): Uncertain significance. Review status: criteria provided, multiple submitters, no conflicts (2 of 4 stars). 3 submissions from 3 submitters: Uncertain significance (3). Last evaluated 2024-12-07.

Conditions:
Inborn genetic diseases. Identifiers: MedGen C0950123, MeSH D030342.

Allele frequency attached by ClinVar (database versions not stated): TOPMed below 0.00001; gnomAD exomes 0.00001.
gnomAD v4.1: 11 of 1,614,224 alleles (0.00068%); highest among the groups gnomAD compares: Middle Eastern, 0.016%; no homozygotes.

Submissions (3):

Labcorp Genetics (formerly Invitae), Labcorp
Classification: Uncertain significance. Last evaluated: 2024-12-07. Review status: criteria provided, single submitter. Criteria: Invitae Variant Classification Sherloc (09022015). Collection method: clinical testing. Allele origin: germline.
Comment: This sequence change replaces arginine, which is basic and polar, with glycine, which is neutral and non-polar, at codon 770 of the TOPORS protein (p.Arg770Gly). This variant is not present in population databases (gnomAD no frequency). This variant has not been reported in the literature in individuals affected with TOPORS-related conditions. ClinVar contains an entry for this variant (Variation ID: 1910767). Experimental studies and prediction algorithms are not available or were not evaluated, and the functional significance of this variant is currently unknown. In summary, the available evidence is currently insufficient to determine the role of this variant in disease. Therefore, it has been classified as a Variant of Uncertain Significance.

Blueprint Genetics
Classification: Uncertain significance. Last evaluated: 2022-04-06. Review status: criteria provided, single submitter. Criteria: ACMG Guidelines, 2015. Collection method: clinical testing. Allele origin: germline.

Ambry Genetics
Classification: Uncertain significance for Inborn genetic diseases. Last evaluated: 2021-07-27. Review status: criteria provided, single submitter. Criteria: Ambry Variant Classification Scheme 2023. Collection method: clinical testing. Allele origin: germline.

NM_005802.5(TOPORS):c.2308A>G (p.Arg770Gly)

Gene: TOPORS (TOP1 binding arginine/serine rich protein, E3 ubiquitin ligase; minus strand). Cytogenetic location: 9p21.1.
Variant type: single nucleotide variant.
Coding change: c.2308A>G on transcript NM_005802.5 (MANE Select); coding-DNA position 2308, A replaced by G.
Protein change: p.Arg770Gly; replaces arginine 770 with glycine.
Molecular consequence: missense variant.
Genome position (GRCh38, 1-based): chr9:32,542,217, T>C on the plus strand (A>G on the coding strand, the complement: TOPORS is on the minus strand). VCF-style: chr9-32542217-T-C. GRCh37 (hg19) VCF-style: chr9-32542215-T-C.
Other names: c.2113A>G, p.Arg705Gly (NM_001195622.2); short protein forms R770G, R705G.
Identifiers: ClinVar variation 1910767 (VCV001910767.7), dbSNP rs1587621118, ClinGen allele CA373164523.